The following is an entry in ClinVar:

ClinVar aggregate classification (germline): Uncertain significance. Review status: criteria provided, multiple submitters, no conflicts (2 of 4 stars). 2 submissions from 2 submitters: Uncertain significance (2). Last evaluated 2025-12-29.

Conditions:
Hereditary cancer-predisposing syndrome. Also called: Hereditary neoplastic syndrome; Tumor predisposition; Neoplastic Syndromes, Hereditary; Hereditary Cancer Syndrome. Identifiers: Orphanet 140162, MedGen C0027672, MeSH D009386, MONDO:0015356.
Tuberous sclerosis 1 (TSC1). Identifiers: Orphanet 805, MedGen C1854465, MONDO:0008612, OMIM 191100.

Allele frequency attached by ClinVar (database versions not stated): gnomAD exomes below 0.00001.
gnomAD v4.1: 1 of 1,614,218 alleles (0.000062%); highest among the groups gnomAD compares: Non-Finnish European, 0.000085%; no homozygotes.

Submissions (2):

Ambry Genetics
Classification: Uncertain significance for Hereditary cancer-predisposing syndrome. Last evaluated: 2025-12-29. Review status: criteria provided, single submitter. Criteria: Ambry Variant Classification Scheme 2023. Collection method: clinical testing. Allele origin: germline.
Comment: The p.E981G variant (also known as c.2942A>G), located in coding exon 20 of the TSC1 gene, results from an A to G substitution at nucleotide position 2942. The glutamic acid at codon 981 is replaced by glycine, an amino acid with similar properties. This amino acid position is conserved. In addition, this alteration is predicted to be tolerated by in silico analysis. Based on the available evidence, the clinical significance of this variant remains unclear.

Labcorp Genetics (formerly Invitae), Labcorp
Classification: Uncertain significance for Tuberous sclerosis 1. Last evaluated: 2025-06-12. Review status: criteria provided, single submitter. Criteria: Invitae Variant Classification Sherloc (09022015). Collection method: clinical testing. Allele origin: germline.
Comment: This sequence change replaces glutamic acid, which is acidic and polar, with glycine, which is neutral and non-polar, at codon 981 of the TSC1 protein (p.Glu981Gly). This variant is not present in population databases (gnomAD no frequency). This variant has not been reported in the literature in individuals affected with TSC1-related conditions. ClinVar contains an entry for this variant (Variation ID: 1391614). Invitae Evidence Modeling of protein sequence and biophysical properties (such as structural, functional, and spatial information, amino acid conservation, physicochemical variation, residue mobility, and thermodynamic stability) indicates that this missense variant is not expected to disrupt TSC1 protein function with a negative predictive value of 95%. In summary, the available evidence is currently insufficient to determine the role of this variant in disease. Therefore, it has been classified as a Variant of Uncertain Significance.

NM_000368.5(TSC1):c.2942A>G (p.Glu981Gly)

Gene: TSC1 (TSC complex subunit 1; minus strand). Cytogenetic location: 9q34.13.
Variant type: single nucleotide variant.
Coding change: c.2942A>G on transcript NM_000368.5 (MANE Select); coding-DNA position 2942, A replaced by G.
Protein change: p.Glu981Gly; replaces glutamic acid 981 with glycine.
Molecular consequence: missense variant.
Genome position (GRCh38, 1-based): chr9:132,897,217, T>C on the plus strand (A>G on the coding strand, the complement: TSC1 is on the minus strand). VCF-style: chr9-132897217-T-C. GRCh37 (hg19) VCF-style: chr9-135772604-T-C.
Other names: c.2939A>G, p.Glu980Gly (NM_001162426.2); c.2789A>G, p.Glu930Gly (NM_001162427.2); c.2579A>G, p.Glu860Gly (NM_001362177.2); c.2942A>G (NM_000368.4); short protein forms E860G, E980G, E930G, E981G.
Identifiers: ClinVar variation 1391614 (VCV001391614.9), dbSNP rs2131623978, ClinGen allele CA375368375.